The following is an entry in ClinVar:

ClinVar aggregate classification (germline): Uncertain significance (1 of 4 stars; one submission).

Conditions:
Inborn genetic diseases. Identifiers: MedGen C0950123, MeSH D030342.

Submission:

Ambry Genetics
Classification: Uncertain significance for Inborn genetic diseases. Last evaluated: 2026-08-11. Review status: criteria provided, single submitter. Criteria: Ambry Variant Classification Scheme 2023. Collection method: clinical testing. Allele origin: germline.
Comment: The p.G704E variant (also known as c.2111G>A), located in coding exon 13 of the ASXL1 gene, results from a G to A substitution at nucleotide position 2111. The glycine at codon 704 is replaced by glutamic acid, an amino acid with similar properties. This amino acid position is conserved. In addition, this alteration is predicted to be tolerated by in silico analysis. Based on the available evidence, the clinical significance of this variant remains unclear.

NM_015338.6(ASXL1):c.2111G>A (p.Gly704Glu)

Gene: ASXL1 (ASXL transcriptional regulator 1; plus strand). Cytogenetic location: 20q11.21.
Variant type: single nucleotide variant.
Coding change: c.2111G>A on transcript NM_015338.6 (MANE Select); coding-DNA position 2111, G replaced by A.
Protein change: p.Gly704Glu; replaces glycine 704 with glutamic acid.
Molecular consequence: missense variant.
Genome position (GRCh38, 1-based): chr20:32,434,823, G>A. VCF-style: chr20-32434823-G-A. GRCh37 (hg19) VCF-style: chr20-31022626-G-A.
Other names: c.1928G>A, p.Gly643Glu (NM_001363734.1); short protein forms G643E, G704E.
Identifiers: ClinVar variation 5030264 (VCV005030264.1).
Genomic context (GRCh38, chr20:32,434,823, plus strand): 5'-CTGGAAAGTGTACGTCAGATCTACAGCGAACACAACTACTGCCGCCTTATCCTCTAAATG[G>A]GGAGCATACCCAGGCCGGAACTGCCATGTCCAGAGCTAGGAGAGAGGACCTGCCTTCTCT-3'
Protein context (NP_056153.2, residues 694-714): TQLLPPYPLN[Gly704Glu]EHTQAGTAMS